The following is an entry in ClinVar:

NM_013296.5(GPSM2):c.1217G>A (p.Arg406Gln)

Gene: GPSM2 (G protein signaling modulator 2; plus strand). Cytogenetic location: 1p13.3.
Variant type: single nucleotide variant.
Coding change: c.1217G>A on transcript NM_013296.5 (MANE Select); coding-DNA position 1217, G replaced by A.
Protein change: p.Arg406Gln; replaces arginine 406 with glutamine.
Molecular consequence: missense variant.
Genome position (GRCh38, 1-based): chr1:108,914,362, G>A. VCF-style: chr1-108914362-G-A. GRCh37 (hg19) VCF-style: chr1-109456984-G-A.
Other names: c.1217G>A, p.Arg406Gln (NM_001321038.2, NM_001321039.3); c.1217G>A (NM_013296.4); short protein forms R406Q.
Identifiers: ClinVar variation 1427753 (VCV001427753.6), dbSNP rs184590650, ClinGen allele CA983003.

ClinVar aggregate classification (germline): Uncertain significance. Review status: criteria provided, multiple submitters, no conflicts (2 of 4 stars). 2 submissions from 2 submitters: Uncertain significance (2). Last evaluated 2023-12-09.

Conditions:
Inborn genetic diseases. Identifiers: MedGen C0950123, MeSH D030342.

Allele frequency attached by ClinVar (database versions not stated): gnomAD exomes 0.00001 and 0.00003; gnomAD 0.00004 and 0.00005; ExAC 0.00005; ESP Exome Variant Server 0.00008; TOPMed 0.00016; 1000 Genomes Project 0.00040; 1000 Genomes Project 30x 0.00047.
gnomAD v4.1: 38 of 1,612,474 alleles (0.0024%); highest among the groups gnomAD compares: Middle Eastern, 0.017%; no homozygotes.

Submissions (2):

Ambry Genetics
Classification: Uncertain significance for Inborn genetic diseases. Last evaluated: 2023-12-09. Review status: criteria provided, single submitter. Criteria: Ambry Variant Classification Scheme 2023. Collection method: clinical testing. Allele origin: germline.

Labcorp Genetics (formerly Invitae), Labcorp
Classification: Uncertain significance. Last evaluated: 2021-09-17. Review status: criteria provided, single submitter. Criteria: Invitae Variant Classification Sherloc (09022015). Collection method: clinical testing. Allele origin: germline.
Comment: This sequence change replaces arginine with glutamine at codon 406 of the GPSM2 protein (p.Arg406Gln). The arginine residue is highly conserved and there is a small physicochemical difference between arginine and glutamine. This variant is present in population databases (rs184590650, ExAC 0.01%). This variant has not been reported in the literature in individuals affected with GPSM2-related conditions. Algorithms developed to predict the effect of missense changes on protein structure and function are either unavailable or do not agree on the potential impact of this missense change (SIFT: "Tolerated"; PolyPhen-2: "Probably Damaging"; Align-GVGD: "Class C0"). In summary, the available evidence is currently insufficient to determine the role of this variant in disease. Therefore, it has been classified as a Variant of Uncertain Significance.